The following is an entry in ClinVar:

NM_018960.6(GNMT):c.164A>T (p.Gln55Leu)

Genes: CNPY3-GNMT (CNPY3-GNMT readthrough; plus strand), GNMT (glycine N-methyltransferase; plus strand). Cytogenetic location: 6p21.1.
Variant type: single nucleotide variant.
Coding change: c.164A>T on transcript NM_018960.6 (MANE Select); coding-DNA position 164, A replaced by T.
Protein change: p.Gln55Leu; replaces glutamine 55 with leucine.
Molecular consequence: missense variant. On other transcripts: non-coding transcript variant (1), intron variant (3).
Genome position (GRCh38, 1-based): chr6:42,960,931, A>T. VCF-style: chr6-42960931-A-T. GRCh37 (hg19) VCF-style: chr6-42928669-A-T.
Other names: c.164A>T, p.Gln55Leu (NM_001318865.2); c.9-1281A>T (NM_001318856.2); c.152-1831A>T (NM_001318857.2, NM_001318858.2); short protein forms Q55L.
Identifiers: ClinVar variation 4030606 (VCV004030606.2).

ClinVar aggregate classification (germline): Uncertain significance. Review status: criteria provided, multiple submitters, no conflicts (2 of 4 stars). 2 submissions from 2 submitters: Uncertain significance (2). Last evaluated 2025-10-15.

Submissions (2):

Labcorp Genetics (formerly Invitae), Labcorp
Classification: Uncertain significance. Last evaluated: 2025-10-15. Review status: criteria provided, single submitter. Criteria: Invitae Variant Classification Sherloc (09022015). Collection method: clinical testing. Allele origin: germline.
Comment: This sequence change replaces glutamine, which is neutral and polar, with leucine, which is neutral and non-polar, at codon 55 of the GNMT protein (p.Gln55Leu). This variant is not present in population databases (gnomAD no frequency). This variant has not been reported in the literature in individuals affected with GNMT-related conditions. ClinVar contains an entry for this variant (Variation ID: 4030606). Invitae Evidence Modeling of protein sequence and biophysical properties (such as structural, functional, and spatial information, amino acid conservation, physicochemical variation, residue mobility, and thermodynamic stability) indicates that this missense variant is not expected to disrupt GNMT protein function with a negative predictive value of 80%. In summary, the available evidence is currently insufficient to determine the role of this variant in disease. Therefore, it has been classified as a Variant of Uncertain Significance.

Ambry Genetics
Classification: Uncertain significance. Last evaluated: 2025-03-20. Review status: criteria provided, single submitter. Criteria: Ambry Variant Classification Scheme 2023. Collection method: clinical testing. Allele origin: germline.